The following is an entry in ClinVar:

NM_000179.3(MSH6):c.3968T>G (p.Phe1323Cys)

Gene: MSH6 (mutS homolog 6; plus strand). Cytogenetic location: 2p16.3.
Variant type: single nucleotide variant.
Coding change: c.3968T>G on transcript NM_000179.3 (MANE Select); coding-DNA position 3968, T replaced by G.
Protein change: p.Phe1323Cys; replaces phenylalanine 1323 with cysteine.
Molecular consequence: missense variant.
Genome position (GRCh38, 1-based): chr2:47,806,618, T>G. VCF-style: chr2-47806618-T-G. GRCh37 (hg19) VCF-style: chr2-48033757-T-G.
Other names: c.3578T>G, p.Phe1193Cys (NM_001281492.2); c.3062T>G, p.Phe1021Cys (NM_001281493.2, NM_001281494.2); short protein forms F1323C, F1193C, F1021C.
Identifiers: ClinVar variation 490017 (VCV000490017.16), dbSNP rs1051564593, ClinGen allele CA346761557.

ClinVar aggregate classification (germline): Uncertain significance. Review status: criteria provided, multiple submitters, no conflicts (2 of 4 stars). 4 submissions from 4 submitters: Uncertain significance (4). Last evaluated 2025-08-07.

Conditions:
Hereditary cancer-predisposing syndrome. Also called: Hereditary Cancer Syndrome; Neoplastic Syndromes, Hereditary; Tumor predisposition; Hereditary neoplastic syndrome. Identifiers: Orphanet 140162, MedGen C0027672, MeSH D009386, MONDO:0015356.
Hereditary nonpolyposis colorectal neoplasms. Identifiers: MedGen C0009405, MeSH D003123.
Endometrial carcinoma. Also called: Endometrial carcinoma, somatic. Identifiers: MedGen C0476089, MONDO:0002447, OMIM 608089, HP:0012114.

Allele frequency attached by ClinVar (database versions not stated): TOPMed below 0.00001.
gnomAD v4.1: 1 of 1,612,354 alleles (0.000062%); highest among the groups gnomAD compares: Non-Finnish European, 0.000085%; no homozygotes.

Submissions (4):

Labcorp Genetics (formerly Invitae), Labcorp
Classification: Uncertain significance for Hereditary nonpolyposis colorectal neoplasms. Last evaluated: 2025-08-07. Review status: criteria provided, single submitter. Criteria: Invitae Variant Classification Sherloc (09022015). Collection method: clinical testing. Allele origin: germline.
Comment: This sequence change replaces phenylalanine, which is neutral and non-polar, with cysteine, which is neutral and slightly polar, at codon 1323 of the MSH6 protein (p.Phe1323Cys). This variant is not present in population databases (gnomAD no frequency). This variant has not been reported in the literature in individuals affected with MSH6-related conditions. ClinVar contains an entry for this variant (Variation ID: 490017). Invitae Evidence Modeling of protein sequence and biophysical properties (such as structural, functional, and spatial information, amino acid conservation, physicochemical variation, residue mobility, and thermodynamic stability) has been performed for this missense variant. However, the output from this modeling did not meet the statistical confidence thresholds required to predict the impact of this variant on MSH6 protein function. In summary, the available evidence is currently insufficient to determine the role of this variant in disease. Therefore, it has been classified as a Variant of Uncertain Significance.

Color Diagnostics, LLC DBA Color Health
Classification: Uncertain significance for Hereditary cancer-predisposing syndrome. Last evaluated: 2023-12-05. Review status: criteria provided, single submitter. Criteria: ACMG Guidelines, 2015. Collection method: clinical testing. Allele origin: germline.
Comment: This missense variant replaces phenylalanine with cysteine at codon 1323 of the MSH6 protein. Computational prediction suggests that this variant may have deleterious impact on protein structure and function (internally defined REVEL score threshold >= 0.7, PMID: 27666373). To our knowledge, functional studies have not been reported for this variant. This variant has not been reported in individuals affected with MSH6-related disorders in the literature. This variant has not been identified in the general population by the Genome Aggregation Database (gnomAD). The available evidence is insufficient to determine the role of this variant in disease conclusively. Therefore, this variant is classified as a Variant of Uncertain Significance.

Baylor Genetics
Classification: Uncertain significance for Endometrial carcinoma. Last evaluated: 2023-09-06. Review status: criteria provided, single submitter. Criteria: ACMG Guidelines, 2015. Collection method: clinical testing. Allele origin: unknown.

Ambry Genetics
Classification: Uncertain significance for Hereditary cancer-predisposing syndrome. Last evaluated: 2022-06-01. Review status: criteria provided, single submitter. Criteria: Ambry Variant Classification Scheme 2023. Collection method: clinical testing. Allele origin: germline.
Comment: The p.F1323C variant (also known as c.3968T>G), located in coding exon 9 of the MSH6 gene, results from a T to G substitution at nucleotide position 3968. The phenylalanine at codon 1323 is replaced by cysteine, an amino acid with highly dissimilar properties. This amino acid position is conserved. In addition, this alteration is predicted to be deleterious by in silico analysis. Since supporting evidence is limited at this time, the clinical significance of this alteration remains unclear.